The following is an entry in ClinVar:

ClinVar aggregate classification (germline): Uncertain significance (1 of 4 stars; one submission).

Conditions:
Perlman syndrome (PRLMNS). Identifiers: Orphanet 2849, MedGen C0796113, MONDO:0009965, OMIM 267000.

Submission:

Labcorp Genetics (formerly Invitae), Labcorp
Classification: Uncertain significance for Perlman syndrome. Last evaluated: 2021-09-05. Review status: criteria provided, single submitter. Criteria: Invitae Variant Classification Sherloc (09022015). Collection method: clinical testing. Allele origin: germline.
Comment: In summary, the available evidence is currently insufficient to determine the role of this variant in disease. Therefore, it has been classified as a Variant of Uncertain Significance. Algorithms developed to predict the effect of missense changes on protein structure and function are either unavailable or do not agree on the potential impact of this missense change (SIFT: "Deleterious"; PolyPhen-2: "Probably Damaging"; Align-GVGD: "Class C0"). This variant has not been reported in the literature in individuals affected with DIS3L2-related conditions. This variant is not present in population databases (ExAC no frequency). This sequence change replaces methionine with isoleucine at codon 586 of the DIS3L2 protein (p.Met586Ile). The methionine residue is highly conserved and there is a small physicochemical difference between methionine and isoleucine.

NM_152383.5(DIS3L2):c.1758G>A (p.Met586Ile)

Gene: DIS3L2 (DIS3 like 3'-5' exoribonuclease 2; plus strand). Cytogenetic location: 2q37.1.
Variant type: single nucleotide variant.
Coding change: c.1758G>A on transcript NM_152383.5 (MANE Select); coding-DNA position 1758, G replaced by A.
Protein change: p.Met586Ile; replaces methionine 586 with isoleucine.
Molecular consequence: missense variant. On other transcripts: intron variant (1).
Genome position (GRCh38, 1-based): chr2:232,329,831, G>A. VCF-style: chr2-232329831-G-A. GRCh37 (hg19) VCF-style: chr2-233194541-G-A.
Other names: c.1582-13514G>A (NM_001257281.2); short protein forms M586I.
Identifiers: ClinVar variation 1461266 (VCV001461266.6), dbSNP rs2106347844, ClinGen allele CA350975956.
Genomic context (GRCh38, chr2:232,329,831, plus strand): 5'-CCAAACCCCAGCGGTCCCTCCCATCCCACCCACCCTCTGCAGGCTCGTGGAGGAGTTCAT[G>A]CTCTTGGCCAACATGGCAGTGGCCCACAAGATCCACCGCGCCTTCCCCGAGCAGGCCCTG-3'
Protein context (NP_689596.4, residues 576-596): RESNKLVEEF[Met586Ile]LLANMAVAHK